The following is an entry in ClinVar:

ClinVar aggregate classification (germline): Benign. Review status: criteria provided, multiple submitters, no conflicts (2 of 4 stars). 2 submissions from 2 submitters: Benign (2). Last evaluated 2018-06-14.

Allele frequency attached by ClinVar (database versions not stated): gnomAD 0.31059 and 0.32041; gnomAD exomes 0.33633; TOPMed 0.33809; 1000 Genomes Project 30x 0.43941; 1000 Genomes Project 0.45088.
gnomAD v4.1: 202,146 of 608,636 alleles (33%); highest among the groups gnomAD compares: East Asian, 85%; 40,519 homozygotes.

Submissions (2):

GeneDx
Classification: Benign. Last evaluated: 2018-06-14. Review status: criteria provided, single submitter. Criteria: GeneDx Variant Classification (06012015). Collection method: clinical testing. Allele origin: germline. Affected: yes.
Comment: This variant is considered likely benign or benign based on one or more of the following criteria: it is a conservative change, it occurs at a poorly conserved position in the protein, it is predicted to be benign by multiple in silico algorithms, and/or has population frequency not consistent with disease.

Breakthrough Genomics
Classification: Benign. Review status: criteria provided, single submitter. Criteria: ACMG Guidelines, 2015. Collection method: not provided. Allele origin: germline. Inheritance: Autosomal recessive inheritance. Affected: yes.

NM_001482.3(GATM):c.1159+195A>G

Gene: GATM (glycine amidinotransferase; minus strand). Cytogenetic location: 15q21.1.
Variant type: single nucleotide variant.
Coding change: c.1159+195A>G on transcript NM_001482.3 (MANE Select); 195 bases into the intron after coding-DNA position 1159, A replaced by G.
Molecular consequence: intron variant.
Genome position (GRCh38, 1-based): chr15:45,363,705, T>C on the plus strand (A>G on the coding strand, the complement: GATM is on the minus strand). VCF-style: chr15-45363705-T-C. GRCh37 (hg19) VCF-style: chr15-45655903-T-C.
Other names: c.772+195A>G (NM_001321015.2).
Identifiers: ClinVar variation 680745 (VCV000680745.2), dbSNP rs3759899, ClinGen allele CA14169906.